The following is an entry in ClinVar:

NM_000431.4(MVK):c.1067C>A (p.Thr356Lys)

Gene: MVK (mevalonate kinase; plus strand). Cytogenetic location: 12q24.11.
Variant type: single nucleotide variant.
Coding change: c.1067C>A on transcript NM_000431.4 (MANE Select); coding-DNA position 1067, C replaced by A.
Protein change: p.Thr356Lys; replaces threonine 356 with lysine.
Molecular consequence: missense variant.
Genome position (GRCh38, 1-based): chr12:109,596,453, C>A. VCF-style: chr12-109596453-C-A. GRCh37 (hg19) VCF-style: chr12-110034258-C-A.
Other names: c.1067C>A, p.Thr356Lys (NM_001114185.3); c.911C>A, p.Thr304Lys (NM_001301182.2); short protein forms T304K, T356K.
Identifiers: ClinVar variation 1383170 (VCV001383170.7), dbSNP rs104895342, ClinGen allele CA386651265.
Genomic context (GRCh38, chr12:109,596,453, plus strand): 5'-TTGTCAAGGGTGACCTGCCTTCCCTCCCCGCAGGGCTGGAGCAGCCAGAAGTGGAGGCCA[C>A]GAAGCAGGCCCTGACCAGCTGTGGCTTTGACTGCTTGGAAACCAGCATCGGTGCCCCCGG-3'
Protein context (NP_000422.1, residues 346-366): PGLEQPEVEA[Thr356Lys]KQALTSCGFD

ClinVar aggregate classification (germline): Uncertain significance (1 of 4 stars; one submission).

Conditions:
Porokeratosis 3, disseminated superficial actinic type (POROK3). Also called: POROKERATOSIS, DISSEMINATED SUPERFICIAL ACTINIC, 1; POROKERATOSIS 3, MULTIPLE TYPES; POROKERATOSIS 3, MIBELLI TYPE. Identifiers: MedGen C1867981, MONDO:0008293, OMIM 175900.
Mevalonic aciduria (MEVA). Identifiers: Orphanet 29, MedGen C1959626, MONDO:0012481, OMIM 610377.
Hyperimmunoglobulin D with periodic fever (HIDS). Also called: Hyperimmunoglobulinemia D with periodic fever; HYPERIMMUNOGLOBULINEMIA D AND PERIODIC FEVER SYNDROME; Hyperimmunoglobulinemia D. Identifiers: Orphanet 343, MedGen C0398691, MONDO:0009849, OMIM 260920.

Submission:

Labcorp Genetics (formerly Invitae), Labcorp
Classification: Uncertain significance for Mevalonic aciduria; Hyperimmunoglobulin D with periodic fever; Porokeratosis 3, disseminated superficial actinic type. Last evaluated: 2023-05-19. Review status: criteria provided, single submitter. Criteria: Invitae Variant Classification Sherloc (09022015). Collection method: clinical testing. Allele origin: germline.
Comment: Advanced modeling of protein sequence and biophysical properties (such as structural, functional, and spatial information, amino acid conservation, physicochemical variation, residue mobility, and thermodynamic stability) performed at Invitae indicates that this missense variant is not expected to disrupt MVK protein function. This sequence change replaces threonine, which is neutral and polar, with lysine, which is basic and polar, at codon 356 of the MVK protein (p.Thr356Lys). This variant is not present in population databases (gnomAD no frequency). This missense change has been observed in individual(s) with recurrent fevers (Invitae). In at least one individual the data is consistent with being in trans (on the opposite chromosome) from a pathogenic variant. ClinVar contains an entry for this variant (Variation ID: 1383170). In summary, the available evidence is currently insufficient to determine the role of this variant in disease. Therefore, it has been classified as a Variant of Uncertain Significance.